The following is an entry in ClinVar:

ClinVar aggregate classification (germline): Likely benign. Review status: criteria provided, multiple submitters, no conflicts (2 of 4 stars). 5 submissions from 5 submitters: Likely benign (5). Last evaluated 2026-05-30.

Conditions:
Cardiovascular phenotype. Identifiers: MedGen CN230736.
Walker-Warburg congenital muscular dystrophy. Also called: Muscular dystrophy-dystroglycanopathy, type A; Walker-Warburg syndrome. Identifiers: Orphanet 899, MedGen C0265221, MONDO:0000171.

Allele frequency attached by ClinVar (database versions not stated): TOPMed 0.00003; gnomAD 0.00009 and 0.00002; ExAC 0.00029; gnomAD exomes 0.00012 and 0.00023.
gnomAD v4.1: 184 of 1,613,380 alleles (0.011%); highest among the groups gnomAD compares: South Asian, 0.17%; no homozygotes.

Submissions (5):

Women's Health and Genetics/Laboratory Corporation of America, LabCorp
Classification: Likely benign. Last evaluated: 2026-05-30. Review status: criteria provided, single submitter. Criteria: LabCorp Variant Classification Summary - May 2015. Collection method: clinical testing. Allele origin: germline.

Labcorp Genetics (formerly Invitae), Labcorp
Classification: Likely benign for Walker-Warburg congenital muscular dystrophy. Last evaluated: 2026-01-28. Review status: criteria provided, single submitter. Criteria: Invitae Variant Classification Sherloc (09022015). Collection method: clinical testing. Allele origin: germline.

Mayo Clinic Laboratories, Mayo Clinic
Classification: Likely benign. Last evaluated: 2025-05-20. Review status: criteria provided, single submitter. Criteria: ACMG Guidelines, 2015. Collection method: clinical testing. Allele origin: germline. Observed: 1 variant allele.
Comment: BP4, BP7

Ambry Genetics
Classification: Likely benign for Cardiovascular phenotype. Last evaluated: 2020-03-04. Review status: criteria provided, single submitter. Criteria: Ambry Variant Classification Scheme 2023. Collection method: clinical testing. Allele origin: germline.

GeneDx
Classification: Likely benign. Last evaluated: 2019-02-04. Review status: criteria provided, single submitter. Criteria: GeneDx Variant Classification Process June 2021. Collection method: clinical testing. Allele origin: germline. Affected: yes.

NM_024301.5(FKRP):c.1224C>T (p.Ser408=)

Gene: FKRP (fukutin related protein; plus strand). Cytogenetic location: 19q13.32.
Variant type: single nucleotide variant.
Coding change: c.1224C>T on transcript NM_024301.5 (MANE Select); coding-DNA position 1224, C replaced by T.
Protein change: p.Ser408=; no amino-acid change (serine 408 retained).
Molecular consequence: synonymous variant.
Genome position (GRCh38, 1-based): chr19:46,756,674, C>T. VCF-style: chr19-46756674-C-T. GRCh37 (hg19) VCF-style: chr19-47259931-C-T.
Other names: p.Ser408=; c.1224C>T, p.Ser408= (NM_001039885.3).
Identifiers: ClinVar variation 513855 (VCV000513855.18), dbSNP rs779487099, ClinGen allele CA9532278.